The following is an entry in ClinVar:

NM_001134363.3(RBM20):c.1092C>A (p.Phe364Leu)

Gene: RBM20 (RNA binding motif protein 20; plus strand). Cytogenetic location: 10q25.2.
Variant type: single nucleotide variant.
Coding change: c.1092C>A on transcript NM_001134363.3 (MANE Select); coding-DNA position 1092, C replaced by A.
Protein change: p.Phe364Leu; replaces phenylalanine 364 with leucine.
Molecular consequence: missense variant.
Genome position (GRCh38, 1-based): chr10:110,781,701, C>A. VCF-style: chr10-110781701-C-A. GRCh37 (hg19) VCF-style: chr10-112541459-C-A.
Other names: short protein forms F364L.
Identifiers: ClinVar variation 2775886 (VCV002775886.4), dbSNP rs1233226046, ClinGen allele CA378385585.

ClinVar aggregate classification (germline): Uncertain significance. Review status: criteria provided, multiple submitters, no conflicts (2 of 4 stars). 2 submissions from 2 submitters: Uncertain significance (2). Last evaluated 2026-03-21.

Conditions:
Cardiovascular phenotype. Identifiers: MedGen CN230736.
Dilated cardiomyopathy 1DD (CMD1DD). Identifiers: Orphanet 154, MedGen C2750995, MONDO:0013168, OMIM 613172.

gnomAD v4.1: 1 of 1,550,604 alleles (0.000064%); highest among the groups gnomAD compares: Non-Finnish European, 0.000087%; no homozygotes.

Submissions (2):

Ambry Genetics
Classification: Uncertain significance for Cardiovascular phenotype. Last evaluated: 2026-03-21. Review status: criteria provided, single submitter. Criteria: Ambry Variant Classification Scheme 2023. Collection method: clinical testing. Allele origin: germline.
Comment: The p.F364L variant (also known as c.1092C>A), located in coding exon 2 of the RBM20 gene, results from a C to A substitution at nucleotide position 1092. The phenylalanine at codon 364 is replaced by leucine, an amino acid with highly similar properties. This amino acid position is conserved. In addition, this alteration is predicted to be tolerated by in silico analysis. Based on the available evidence, the clinical significance of this variant remains unclear.

Labcorp Genetics (formerly Invitae), Labcorp
Classification: Uncertain significance for Dilated cardiomyopathy 1DD. Last evaluated: 2023-02-11. Review status: criteria provided, single submitter. Criteria: Invitae Variant Classification Sherloc (09022015). Collection method: clinical testing. Allele origin: germline.
Comment: This sequence change replaces phenylalanine, which is neutral and non-polar, with leucine, which is neutral and non-polar, at codon 364 of the RBM20 protein (p.Phe364Leu). This variant is not present in population databases (gnomAD no frequency). This variant has not been reported in the literature in individuals affected with RBM20-related conditions. Advanced modeling of protein sequence and biophysical properties (such as structural, functional, and spatial information, amino acid conservation, physicochemical variation, residue mobility, and thermodynamic stability) performed at Invitae indicates that this missense variant is not expected to disrupt RBM20 protein function. In summary, the available evidence is currently insufficient to determine the role of this variant in disease. Therefore, it has been classified as a Variant of Uncertain Significance.